The following is an entry in ClinVar:

NM_001481.3(DRC4):c.1034T>G (p.Leu345Arg)

Gene: DRC4 (dynein regulatory complex subunit 4; plus strand). Cytogenetic location: 16q24.3.
Variant type: single nucleotide variant.
Coding change: c.1034T>G on transcript NM_001481.3 (MANE Select); coding-DNA position 1034, T replaced by G.
Protein change: p.Leu345Arg; replaces leucine 345 with arginine.
Molecular consequence: missense variant. On other transcripts: non-coding transcript variant (1).
Genome position (GRCh38, 1-based): chr16:90,040,322, T>G. VCF-style: chr16-90040322-T-G. GRCh37 (hg19) VCF-style: chr16-90106730-T-G.
Other names: c.785T>G, p.Leu262Arg (NM_001286205.2); c.458T>G, p.Leu153Arg (NM_001286208.2); c.959T>G, p.Leu320Arg (NM_001286209.2); c.1034T>G (NM_001481.2); short protein forms L153R, L262R, L320R, L345R.
Identifiers: ClinVar variation 2182469 (VCV002182469.5), dbSNP rs372636476, ClinGen allele CA8258085.

ClinVar aggregate classification (germline): Uncertain significance. Review status: criteria provided, multiple submitters, no conflicts (2 of 4 stars). 3 submissions from 3 submitters: Uncertain significance (3). Last evaluated 2023-01-19.

Conditions:
Inborn genetic diseases. Identifiers: MedGen C0950123, MeSH D030342.
Primary ciliary dyskinesia 33. Also called: CILIARY DYSKINESIA, PRIMARY, 33, WITHOUT SITUS INVERSUS. Identifiers: Orphanet 244, MedGen C4225230, MONDO:0014750, OMIM 616726.

Allele frequency attached by ClinVar (database versions not stated): TOPMed 0.00001; ExAC 0.00003; gnomAD 0.00003; gnomAD exomes 0.00003; ESP Exome Variant Server 0.00008.
gnomAD v4.1: 44 of 1,595,034 alleles (0.0028%); highest among the groups gnomAD compares: Non-Finnish European, 0.0035%; no homozygotes.

Submissions (3):

Blueprint Genetics
Classification: Uncertain significance. Last evaluated: 2023-01-19. Review status: criteria provided, single submitter. Criteria: ACMG Guidelines, 2015. Collection method: clinical testing. Allele origin: germline.

Labcorp Genetics (formerly Invitae), Labcorp
Classification: Uncertain significance for Primary ciliary dyskinesia 33. Last evaluated: 2022-06-30. Review status: criteria provided, single submitter. Criteria: Invitae Variant Classification Sherloc (09022015). Collection method: clinical testing. Allele origin: germline.
Comment: In summary, the available evidence is currently insufficient to determine the role of this variant in disease. Therefore, it has been classified as a Variant of Uncertain Significance. Algorithms developed to predict the effect of missense changes on protein structure and function (SIFT, PolyPhen-2, Align-GVGD) all suggest that this variant is likely to be disruptive. This variant has not been reported in the literature in individuals affected with GAS8-related conditions. This variant is present in population databases (rs372636476, gnomAD 0.002%). This sequence change replaces leucine, which is neutral and non-polar, with arginine, which is basic and polar, at codon 345 of the GAS8 protein (p.Leu345Arg).

Ambry Genetics
Classification: Uncertain significance for Inborn genetic diseases. Last evaluated: 2021-08-02. Review status: criteria provided, single submitter. Criteria: Ambry Variant Classification Scheme 2023. Collection method: clinical testing. Allele origin: germline.